The following is an entry in ClinVar:

NM_000051.4(ATM):c.3576+8T>C

Gene: ATM (ATM serine/threonine kinase; plus strand). Cytogenetic location: 11q22.3.
Variant type: single nucleotide variant.
Coding change: c.3576+8T>C on transcript NM_000051.4 (MANE Select); 8 bases into the intron after coding-DNA position 3576, T replaced by C.
Molecular consequence: intron variant.
Genome position (GRCh38, 1-based): chr11:108,281,176, T>C. VCF-style: chr11-108281176-T-C. GRCh37 (hg19) VCF-style: chr11-108151903-T-C.
Other names: c.3576+8T>C (NM_001351834.2).
Identifiers: ClinVar variation 756356 (VCV000756356.12), dbSNP rs1591637198, ClinGen allele CA913187729.

ClinVar aggregate classification (germline): Likely benign. Review status: criteria provided, multiple submitters, no conflicts (2 of 4 stars). 4 submissions from 4 submitters: Likely benign (4). Last evaluated 2026-01-10.

Conditions:
Hereditary cancer-predisposing syndrome. Also called: Tumor predisposition; Hereditary neoplastic syndrome; Neoplastic Syndromes, Hereditary; Hereditary Cancer Syndrome. Identifiers: Orphanet 140162, MedGen C0027672, MeSH D009386, MONDO:0015356.
Familial cancer of breast. Also called: Hereditary breast cancer; hereditary breast carcinoma; BREAST CANCER, FAMILIAL. Identifiers: Orphanet 227535, MedGen C0346153, MONDO:0016419, OMIM 114480. Disease mechanism: loss of function.
Ataxia-telangiectasia syndrome (AT). Also called: Cerebello-oculocutaneous telangiectasia; Immunodeficiency with ataxia telangiectasia; ATAXIA-TELANGIECTASIA, COMPLEMENTATION GROUP A; ATAXIA-TELANGIECTASIA, FRESNO VARIANT; Ataxia-telangiectasia; LOUIS-BAR SYNDROME. Identifiers: Orphanet 100, MedGen C0004135, MONDO:0008840, OMIM 208900.

Allele frequency attached by ClinVar (database versions not stated): gnomAD exomes below 0.00001.
gnomAD v4.1: 2 of 1,612,836 alleles (0.00012%); highest among the groups gnomAD compares: Non-Finnish European, 0.00017%; no homozygotes.

Submissions (4):

Labcorp Genetics (formerly Invitae), Labcorp
Classification: Likely benign for Ataxia-telangiectasia syndrome. Last evaluated: 2026-01-10. Review status: criteria provided, single submitter. Criteria: Invitae Variant Classification Sherloc (09022015). Collection method: clinical testing. Allele origin: germline.

Myriad Genetics, Inc.
Classification: Likely benign for Familial cancer of breast. Last evaluated: 2024-05-14. Review status: criteria provided, single submitter. Criteria: Myriad Autosomal Dominant, Autosomal Recessive and X-Linked Classification Criteria (2023). Collection method: clinical testing. Allele origin: unknown.
Comment: This variant is considered likely benign. This variant is intronic and is not expected to impact mRNA splicing.

Blueprint Genetics
Classification: Likely benign. Last evaluated: 2021-08-04. Review status: criteria provided, single submitter. Criteria: ACMG Guidelines, 2015. Collection method: clinical testing. Allele origin: germline.

Color Diagnostics, LLC DBA Color Health
Classification: Likely benign for Hereditary cancer-predisposing syndrome. Last evaluated: 2017-10-06. Review status: criteria provided, single submitter. Criteria: ACMG Guidelines, 2015. Collection method: clinical testing. Allele origin: germline.